The following is an entry in ClinVar:

NM_020365.5(EIF2B3):c.32G>T (p.Gly11Val)

Gene: EIF2B3 (eukaryotic translation initiation factor 2B subunit gamma; minus strand). Cytogenetic location: 1p34.1.
Variant type: single nucleotide variant.
Coding change: c.32G>T on transcript NM_020365.5 (MANE Select); coding-DNA position 32, G replaced by T.
Protein change: p.Gly11Val; replaces glycine 11 with valine.
Molecular consequence: missense variant.
Genome position (GRCh38, 1-based): chr1:44,981,137, C>A on the plus strand (G>T on the coding strand, the complement: EIF2B3 is on the minus strand). VCF-style: chr1-44981137-C-A. GRCh37 (hg19) VCF-style: chr1-45446809-C-A.
Other names: c.32G>T, p.Gly11Val (NM_001166588.3, NM_001261418.2); short protein forms G11V.
Identifiers: ClinVar variation 285204 (VCV000285204.38), dbSNP rs754415797, ClinGen allele CA10605035.

ClinVar aggregate classification (germline): Conflicting classifications of pathogenicity. Review status: criteria provided, conflicting classifications (1 of 4 stars). 5 submissions from 5 submitters: Likely pathogenic (3); Uncertain significance (2). Last evaluated 2025-03-07.

Conditions:
Leukoencephalopathy with vanishing white matter 3 (VWM3). Also called: Leukoencephalopathy with vanishing white matter 3, with or without ovarian failure; EIF2B3-Related Childhood Ataxia with Central Nervous System Hypomyelination/Vanishing White Matter. Identifiers: MedGen C5830405, MONDO:0957871, OMIM 620313.

Allele frequency attached by ClinVar (database versions not stated): TOPMed 0.00001.

Submissions (5):

3billion
Classification: Likely pathogenic for Leukoencephalopathy with vanishing white matter 3. Last evaluated: 2025-03-07. Review status: criteria provided, single submitter. Criteria: ACMG Guidelines, 2015. Collection method: clinical testing. Allele origin: germline. Affected: yes.
Comment: The variant is observed at an extremely low frequency in the gnomAD v4.1.0 dataset (total allele frequency: <0.001%). Predicted Consequence/Location: Missense variant In silico tool predictions suggest damaging effect of the variant on gene or gene product [REVEL: 0.98 (>=0.6, sensitivity 0.68 and specificity 0.92)]. The same nucleotide change resulting in the same amino acid change has been previously reported to be associated with EIF2B3-related disorder (ClinVar ID: VCV000285204 /PMID: 18263758). Therefore, this variant is classified as Likely pathogenic according to the recommendation of ACMG/AMP guideline.

Genomic Medicine Center of Excellence, King Faisal Specialist Hospital and Research Centre
Classification: Likely pathogenic for Leukoencephalopathy with vanishing white matter 3. Last evaluated: 2024-03-25. Review status: criteria provided, single submitter. Criteria: ACMG Guidelines, 2015. Collection method: clinical testing. Allele origin: germline.

Labcorp Genetics (formerly Invitae), Labcorp
Classification: Uncertain significance. Last evaluated: 2022-05-25. Review status: criteria provided, single submitter. Criteria: Invitae Variant Classification Sherloc (09022015). Collection method: clinical testing. Allele origin: germline.
Comment: This sequence change replaces glycine, which is neutral and non-polar, with valine, which is neutral and non-polar, at codon 11 of the EIF2B3 protein (p.Gly11Val). This variant is not present in population databases (gnomAD no frequency). This missense change has been observed in individual(s) with EIF2B3-related conditions (PMID: 18263758, 25761052). ClinVar contains an entry for this variant (Variation ID: 285204). Algorithms developed to predict the effect of missense changes on protein structure and function are either unavailable or do not agree on the potential impact of this missense change (SIFT: "Deleterious"; PolyPhen-2: "Probably Damaging"; Align-GVGD: "Class C0"). In summary, the available evidence is currently insufficient to determine the role of this variant in disease. Therefore, it has been classified as a Variant of Uncertain Significance.

CeGaT Center for Human Genetics Tuebingen
Classification: Likely pathogenic. Last evaluated: 2022-05-01. Review status: criteria provided, single submitter. Criteria: CeGaT Center For Human Genetics Tuebingen Variant Classification Criteria Version 2. Collection method: clinical testing. Allele origin: germline. Affected: yes. Observed: 2 variant alleles.
Comment: EIF2B3: PS1, PM2, PM3, PP3

Eurofins Ntd Llc (ga)
Classification: Uncertain significance. Last evaluated: 2015-12-07. Review status: criteria provided, single submitter. Criteria: EGL Classification Definitions 2015. Collection method: clinical testing. Allele origin: germline. Observed: 1 variant allele, 1 heterozygote.

Literature cited by the submitters: PubMed 18263758 (cited by 3billion and Labcorp Genetics (formerly Invitae), Labcorp); PubMed 25761052 (cited by Labcorp Genetics (formerly Invitae), Labcorp).